The following is an entry in ClinVar:

ClinVar aggregate classification (germline): Uncertain significance (1 of 4 stars; one submission).

Conditions:
Dyskeratosis congenita, autosomal dominant 2. Identifiers: MedGen C3151443, MONDO:0013521, OMIM 613989.
Idiopathic Pulmonary Fibrosis. Also called: Idiopathic fibrosing alveolitis, chronic form; idiopathic fibrosing alveolitis. Identifiers: Orphanet 2032, MedGen C1800706, MeSH D054990, MONDO:0800504.

Submission:

Labcorp Genetics (formerly Invitae), Labcorp
Classification: Uncertain significance for Dyskeratosis congenita, autosomal dominant 2; Idiopathic Pulmonary Fibrosis. Last evaluated: 2022-10-29. Review status: criteria provided, single submitter. Criteria: Invitae Variant Classification Sherloc (09022015). Collection method: clinical testing. Allele origin: germline.
Comment: This variant has not been reported in the literature in individuals affected with TERT-related conditions. This variant is not present in population databases (gnomAD no frequency). This sequence change affects codon 1100 of the TERT mRNA. It is a 'silent' change, meaning that it does not change the encoded amino acid sequence of the TERT protein. Algorithms developed to predict the effect of sequence changes on RNA splicing suggest that this variant may disrupt the consensus splice site. In summary, the available evidence is currently insufficient to determine the role of this variant in disease. Therefore, it has been classified as a Variant of Uncertain Significance.

NM_198253.3(TERT):c.3300G>A (p.Gln1100=)

Gene: TERT (telomerase reverse transcriptase; minus strand). Cytogenetic location: 5p15.33.
Variant type: single nucleotide variant.
Coding change: c.3300G>A on transcript NM_198253.3 (MANE Select); coding-DNA position 3300, G replaced by A.
Protein change: p.Gln1100=; no amino-acid change (glutamine 1100 retained).
Molecular consequence: synonymous variant. On other transcripts: non-coding transcript variant (2).
Genome position (GRCh38, 1-based): chr5:1,253,827, C>T on the plus strand (G>A on the coding strand, the complement: TERT is on the minus strand). VCF-style: chr5-1253827-C-T. GRCh37 (hg19) VCF-style: chr5-1253942-C-T.
Other names: c.3111G>A, p.Gln1037= (NM_001193376.3); c.3300G>A, p.Gln1100= (NM_003219.1).
Identifiers: ClinVar variation 2941082 (VCV002941082.3), dbSNP rs2478067464, ClinGen allele CA443019820.